The following is an entry in ClinVar:

ClinVar aggregate classification (germline): Uncertain significance (1 of 4 stars; one submission).

Submission:

Women's Health and Genetics/Laboratory Corporation of America, LabCorp
Classification: Uncertain significance. Last evaluated: 2025-05-29. Review status: criteria provided, single submitter. Criteria: LabCorp Variant Classification Summary - May 2015. Collection method: clinical testing. Allele origin: germline.
Comment: Variant summary: PAX2 c.844C>T (p.His282Tyr) results in a conservative amino acid change in the encoded protein sequence. Algorithms developed to predict the effect of missense changes on protein structure and function are either unavailable or do not agree on the potential impact of this missense change. The variant was absent in 251228 control chromosomes. The available data on variant occurrences in the general population are insufficient to allow any conclusion about variant significance. To our knowledge, no occurrence of c.844C>T in individuals affected with PAX2-Related Disorders and no experimental evidence demonstrating its impact on protein function have been reported. No submitters have cited clinical-significance assessments for this variant to ClinVar. Based on the evidence outlined above, the variant was classified as uncertain significance.

NM_000278.5(PAX2):c.775C>T (p.His259Tyr)

Gene: PAX2 (paired box 2; plus strand). Cytogenetic location: 10q24.31.
Variant type: single nucleotide variant.
Coding change: c.775C>T on transcript NM_000278.5 (MANE Select); coding-DNA position 775, C replaced by T.
Protein change: p.His259Tyr; replaces histidine 259 with tyrosine.
Molecular consequence: missense variant.
Genome position (GRCh38, 1-based): chr10:100,806,588, C>T. VCF-style: chr10-100806588-C-T. GRCh37 (hg19) VCF-style: chr10-102566345-C-T.
Other names: c.868C>T, p.His290Tyr (NM_001304569.2); c.844C>T, p.His282Tyr (NM_003987.5, NM_003990.5); c.775C>T, p.His259Tyr (NM_003988.5, NM_003989.5); short protein forms H259Y, H282Y, H290Y.
Identifiers: ClinVar variation 3902208 (VCV003902208.1).
Genomic context (GRCh38, chr10:100,806,588, plus strand): 5'-GAAGCTTTGGATCGGGTCTTTGAGCGTCCTTCCTACCCTGACGTCTTCCAGGCATCAGAG[C>T]ACATCAAATCAGAACAGGTGAGGAGGGAGCTTTCTGCTTGCAGAAGTAGAAAGGAGCCGG-3'
Protein context (NP_000269.3, residues 249-269): SYPDVFQASE[His259Tyr]IKSEQGNEYS